The following is an entry in ClinVar:

ClinVar aggregate classification (germline): Uncertain significance (1 of 4 stars; one submission).

gnomAD v4.1: 2 of 1,614,112 alleles (0.00012%); highest among the groups gnomAD compares: African/African-American, 0.0013%; no homozygotes.

Submission:

Labcorp Genetics (formerly Invitae), Labcorp
Classification: Uncertain significance. Last evaluated: 2022-07-06. Review status: criteria provided, single submitter. Criteria: Invitae Variant Classification Sherloc (09022015). Collection method: clinical testing. Allele origin: germline.
Comment: In summary, the available evidence is currently insufficient to determine the role of this variant in disease. Therefore, it has been classified as a Variant of Uncertain Significance. Algorithms developed to predict the effect of missense changes on protein structure and function (SIFT, PolyPhen-2, Align-GVGD) all suggest that this variant is likely to be tolerated. This variant has not been reported in the literature in individuals affected with C2-related conditions. This variant is not present in population databases (gnomAD no frequency). This sequence change replaces glutamic acid, which is acidic and polar, with aspartic acid, which is acidic and polar, at codon 275 of the C2 protein (p.Glu275Asp).

NM_000063.6(C2):c.825G>C (p.Glu275Asp)

Gene: C2 (complement C2; plus strand). Cytogenetic location: 6p21.33.
Variant type: single nucleotide variant.
Coding change: c.825G>C on transcript NM_000063.6 (MANE Select); coding-DNA position 825, G replaced by C.
Protein change: p.Glu275Asp; replaces glutamic acid 275 with aspartic acid.
Molecular consequence: missense variant. On other transcripts: intron variant (2).
Genome position (GRCh38, 1-based): chr6:31,934,275, G>C. VCF-style: chr6-31934275-G-C. GRCh37 (hg19) VCF-style: chr6-31902052-G-C.
Other names: c.429G>C, p.Glu143Asp (NM_001145903.3); c.738G>C, p.Glu246Asp (NM_001282458.2); c.825G>C, p.Glu275Asp (NM_001282459.2); c.111+492G>C (NM_001282457.2); c.346+310G>C (NM_001178063.3); short protein forms E246D, E143D, E275D.
Identifiers: ClinVar variation 2014314 (VCV002014314.4), dbSNP rs1268999302, ClinGen allele CA363368073.
Genomic context (GRCh38, chr6:31,934,275, plus strand): 5'-CTACCTGCTCCTGGACTGTTCGCAGAGTGTGTCGGAAAATGACTTTCTCATCTTCAAGGA[G>C]AGCGCCTCCCTCATGGTGGACAGGGTCAGGAATCAGGAGTCTGCCTGCAGCAGAGGCCTT-3'
Protein context (NP_000054.2, residues 265-285): VSENDFLIFK[Glu275Asp]SASLMVDRIF